The following is an entry in ClinVar:

ClinVar aggregate classification (germline): Uncertain significance (1 of 4 stars; one submission).

gnomAD v4.1: 3 of 1,614,060 alleles (0.00019%); highest among the groups gnomAD compares: African/African-American, 0.004%; no homozygotes.

Submission:

Labcorp Genetics (formerly Invitae), Labcorp
Classification: Uncertain significance. Last evaluated: 2025-09-02. Review status: criteria provided, single submitter. Criteria: Invitae Variant Classification Sherloc (09022015). Collection method: clinical testing. Allele origin: germline.
Comment: This sequence change replaces asparagine, which is neutral and polar, with histidine, which is basic and polar, at codon 163 of the KIF20A protein (p.Asn163His). This variant is present in population databases (no rsID available, gnomAD 0.01%). This variant has not been reported in the literature in individuals affected with KIF20A-related conditions. An algorithm developed to predict the effect of missense changes on protein structure and function (PolyPhen-2) suggests that this variant is likely to be disruptive. In summary, the available evidence is currently insufficient to determine the role of this variant in disease. Therefore, it has been classified as a Variant of Uncertain Significance.

NM_005733.3(KIF20A):c.487A>C (p.Asn163His)

Gene: KIF20A (kinesin family member 20A; plus strand). Cytogenetic location: 5q31.2.
Variant type: single nucleotide variant.
Coding change: c.487A>C on transcript NM_005733.3 (MANE Select); coding-DNA position 487, A replaced by C.
Protein change: p.Asn163His; replaces asparagine 163 with histidine.
Molecular consequence: missense variant.
Genome position (GRCh38, 1-based): chr5:138,182,434, A>C. VCF-style: chr5-138182434-A-C. GRCh37 (hg19) VCF-style: chr5-137518123-A-C.
Other names: short protein forms N163H.
Identifiers: ClinVar variation 4698769 (VCV004698769.1).